The following is an entry in ClinVar:

ClinVar aggregate classification (germline): Uncertain significance (1 of 4 stars; one submission).

Allele frequency attached by ClinVar (database versions not stated): gnomAD 0.00001; gnomAD exomes 0.00001; TOPMed 0.00001.
gnomAD v4.1: 18 of 1,551,414 alleles (0.0012%); highest among the groups gnomAD compares: Non-Finnish European, 0.0014%; no homozygotes.

Submission:

Labcorp Genetics (formerly Invitae), Labcorp
Classification: Uncertain significance. Last evaluated: 2022-07-11. Review status: criteria provided, single submitter. Criteria: Invitae Variant Classification Sherloc (09022015). Collection method: clinical testing. Allele origin: germline.
Comment: This sequence change replaces proline, which is neutral and non-polar, with serine, which is neutral and polar, at codon 104 of the KPNA7 protein (p.Pro104Ser). This variant is not present in population databases (gnomAD no frequency). This variant has not been reported in the literature in individuals affected with KPNA7-related conditions. ClinVar contains an entry for this variant (Variation ID: 1514331). Algorithms developed to predict the effect of missense changes on protein structure and function (SIFT, PolyPhen-2, Align-GVGD) all suggest that this variant is likely to be disruptive. In summary, the available evidence is currently insufficient to determine the role of this variant in disease. Therefore, it has been classified as a Variant of Uncertain Significance.

NM_001145715.3(KPNA7):c.310C>T (p.Pro104Ser)

Gene: KPNA7 (karyopherin subunit alpha 7; minus strand). Cytogenetic location: 7q22.1.
Variant type: single nucleotide variant.
Coding change: c.310C>T on transcript NM_001145715.3 (MANE Select); coding-DNA position 310, C replaced by T.
Protein change: p.Pro104Ser; replaces proline 104 with serine.
Molecular consequence: missense variant.
Genome position (GRCh38, 1-based): chr7:99,195,313, G>A on the plus strand (C>T on the coding strand, the complement: KPNA7 is on the minus strand). VCF-style: chr7-99195313-G-A. GRCh37 (hg19) VCF-style: chr7-98792936-G-A.
Other names: short protein forms P104S.
Identifiers: ClinVar variation 1514331 (VCV001514331.3), dbSNP rs1223926512, ClinGen allele CA368420828.